The following is an entry in ClinVar:

ClinVar aggregate classification (germline): Uncertain significance (1 of 4 stars; one submission).

Conditions:
Gorlin syndrome. Also called: Basal cell nevus syndrome; Nevoid Basal Cell Carcinoma Syndrome. Identifiers: Orphanet 377, MedGen C0004779, MONDO:0007187.

Submission:

Labcorp Genetics (formerly Invitae), Labcorp
Classification: Uncertain significance for Gorlin syndrome. Last evaluated: 2022-11-11. Review status: criteria provided, single submitter. Criteria: Invitae Variant Classification Sherloc (09022015). Collection method: clinical testing. Allele origin: germline.
Comment: This sequence change replaces alanine, which is neutral and non-polar, with threonine, which is neutral and polar, at codon 4 of the PTCH1 protein (p.Ala4Thr). This variant is not present in population databases (gnomAD no frequency). This variant has not been reported in the literature in individuals affected with PTCH1-related conditions. Advanced modeling of protein sequence and biophysical properties (such as structural, functional, and spatial information, amino acid conservation, physicochemical variation, residue mobility, and thermodynamic stability) performed at Invitae indicates that this missense variant is not expected to disrupt PTCH1 protein function. In summary, the available evidence is currently insufficient to determine the role of this variant in disease. Therefore, it has been classified as a Variant of Uncertain Significance.

NM_000264.5(PTCH1):c.10G>A (p.Ala4Thr)

Genes: PTCH1 (patched 1; minus strand), LOC130002133 (ATAC-STARR-seq lymphoblastoid silent region 20071; plus strand). Cytogenetic location: 9q22.32.
Variant type: single nucleotide variant.
Coding change: c.10G>A on transcript NM_000264.5 (MANE Select); coding-DNA position 10, G replaced by A.
Protein change: p.Ala4Thr; replaces alanine 4 with threonine.
Molecular consequence: missense variant. On other transcripts: non-coding transcript variant (1), intron variant (3).
Genome position (GRCh38, 1-based): chr9:95,508,352, C>T on the plus strand (G>A on the coding strand, the complement: PTCH1 is on the minus strand). VCF-style: chr9-95508352-C-T. GRCh37 (hg19) VCF-style: chr9-98270634-C-T.
Other names: c.10G>A, p.Ala4Thr (NM_001354918.2); c.199-1753G>A (NM_001083603.3); c.4-1753G>A (NM_001083602.3, NM_001354919.2); short protein forms A4T.
Identifiers: ClinVar variation 2781262 (VCV002781262.3), dbSNP rs2538404922, ClinGen allele CA374121766.